The following is an entry in ClinVar:

NM_172240.3(POC1B):c.1083dup (p.Met362fs)

Genes: POC1B (POC1 centriolar protein B; minus strand), POC1B-DUSP6 (POC1B-DUSP6 readthrough; minus strand). Cytogenetic location: 12q21.33.
Variant type: Duplication.
Coding change: c.1083dup on transcript NM_172240.3 (MANE Select); coding-DNA position 1083, one base duplicated (T; older notation c.1083dupT).
Protein change: p.Met362fs; shifts the reading frame from methionine 362.
Molecular consequence: frameshift variant. On other transcripts: non-coding transcript variant (2).
Genome position (GRCh38, 1-based): chr12:89,459,668, A duplicated on the plus strand (T on the coding strand, the reverse complement: POC1B is on the minus strand); the first of 2 consecutive A bases (chr12:89,459,668-89,459,669); duplicating either gives the same sequence. VCF-style (leftmost placement, unchanged base first): chr12-89459667-T-TA. GRCh37 (hg19) VCF-style: chr12-89853444-T-TA.
Other names: c.957dup, p.Met320fs (NM_001199777.2); short protein forms M320fs, M362fs.
Identifiers: ClinVar variation 1915007 (VCV001915007.5), dbSNP rs2540423602, ClinGen allele CA2580086762.

ClinVar aggregate classification (germline): Pathogenic (1 of 4 stars; one submission).

Submission:

Labcorp Genetics (formerly Invitae), Labcorp
Classification: Pathogenic. Last evaluated: 2021-12-19. Review status: criteria provided, single submitter. Criteria: Invitae Variant Classification Sherloc (09022015). Collection method: clinical testing. Allele origin: germline.
Comment: This sequence change creates a premature translational stop signal (p.Met362Tyrfs*7) in the POC1B gene. It is expected to result in an absent or disrupted protein product. Loss-of-function variants in POC1B are known to be pathogenic (PMID: 25018096, 29220607). This variant is not present in population databases (gnomAD no frequency). This variant has not been reported in the literature in individuals affected with POC1B-related conditions. For these reasons, this variant has been classified as Pathogenic.

Literature cited by the submitters: PubMed 25018096; PubMed 29220607.